The following is an entry in ClinVar:

NM_003000.3(SDHB):c.758G>A (p.Cys253Tyr)

Gene: SDHB (succinate dehydrogenase complex iron sulfur subunit B; minus strand). Cytogenetic location: 1p36.13.
Variant type: single nucleotide variant.
Coding change: c.758G>A on transcript NM_003000.3 (MANE Select); coding-DNA position 758, G replaced by A.
Protein change: p.Cys253Tyr; replaces cysteine 253 with tyrosine.
Molecular consequence: missense variant.
Genome position (GRCh38, 1-based): chr1:17,022,615, C>T on the plus strand (G>A on the coding strand, the complement: SDHB is on the minus strand). VCF-style: chr1-17022615-C-T. GRCh37 (hg19) VCF-style: chr1-17349110-C-T.
Other names: short protein forms C253Y.
Identifiers: ClinVar variation 183795 (VCV000183795.16), dbSNP rs786201085, ClinGen allele CA016171.

ClinVar aggregate classification (germline): Pathogenic. Review status: criteria provided, multiple submitters, no conflicts (2 of 4 stars). 4 submissions from 4 submitters: Pathogenic (4). Last evaluated 2026-06-15.

Conditions:
Gastrointestinal stromal tumor. Also called: Gastrointestinal stromal tumor, somatic; Gastrointestinal stroma tumor. Identifiers: Orphanet 44890, MedGen C0238198, MeSH D046152, MONDO:0011719, OMIM 606764, HP:0100723.
Pheochromocytoma. Also called: MAX-Related Hereditary Paraganglioma-Pheochromocytoma Syndrome. Identifiers: Orphanet 29072, MedGen C0031511, MONDO:0008233, OMIM 171300, HP:0002666.
Pheochromocytoma/paraganglioma syndrome 4. Also called: CAROTID BODY TUMORS AND MULTIPLE EXTRAADRENAL PHEOCHROMOCYTOMAS; PARAGANGLIOMA, FAMILIAL MALIGNANT; PARAGANGLIOMAS, HEREDITARY EXTRAADRENAL; SDHB-Related Hereditary Paraganglioma-Pheochromocytoma Syndrome (Paragangliomas 4); SDHB-Related Hereditary Paraganglioma-Pheochromocytoma Syndrome; PHEOCHROMOCYTOMA, FAMILIAL EXTRAADRENAL. Identifiers: Orphanet 29072, MedGen C1861848, MONDO:0007273, OMIM 115310.
Hereditary cancer-predisposing syndrome. Also called: Neoplastic Syndromes, Hereditary; Hereditary Cancer Syndrome; Tumor predisposition; Hereditary neoplastic syndrome. Identifiers: Orphanet 140162, MedGen C0027672, MeSH D009386, MONDO:0015356.
Hereditary pheochromocytoma and paraganglioma. Also called: Hereditary Paraganglioma-Pheochromocytoma Syndromes; Hereditary paragangliomas and pheochromocytomas; Hereditary pheochromocytoma-paraganglioma. Identifiers: Orphanet 29072, MedGen C4274332, MONDO:0017366.

Allele frequency attached by ClinVar (database versions not stated): gnomAD exomes below 0.00001.
gnomAD v4.1: 1 of 1,613,930 alleles (0.000062%); no homozygotes.

Submissions (4):

Ambry Genetics
Classification: Pathogenic for Hereditary cancer-predisposing syndrome. Last evaluated: 2026-06-15. Review status: criteria provided, single submitter. Criteria: Ambry Variant Classification Scheme 2023. Collection method: clinical testing. Allele origin: germline.
Comment: The p.C253Y variant (also known as c.758G>A), located in coding exon 7 of the SDHB gene, results from a G to A substitution at nucleotide position 758. The cysteine at codon 253 is replaced by tyrosine, an amino acid with highly dissimilar properties. This variant was reported heterozygous in individuals with features consistent with SDHB-related hereditary pheochromocytoma-paraganglioma (Amar L et al. J. Clin Oncol 2005 Dec 1;23(34):8812-8, Amar L et al. J. Clin. Endocrinol. Metab. 2007 Oct; 92(10):3822-8, Favier J et al. PLoS ONE 2009;4(9):e7094, Burnichon N et al. J. Clin. Endocrinol. Metab. 2009 Aug; 94(8):2817-27; Buffet A et al. Horm Metab Res, 2012 May;44:359-66; Pat&oacute;cs A et al. Pathol. Oncol. Res. 2016 Oct;22(4):673-9; Sarkadi B et al. Cancers (Basel), 2021 Aug;13:; Garrett A et al. Genet Med, 2022 Jan;24:41-50; Ambry internal data). The Cys253 residue plays a vital role coordinating the Fe4S4 cluster, and it is believed that alterations at this location would prevent assembly of Complex II (Iverson TM et al. J. Biol. Chem. 2012 Oct; 287(42):35430-8). One structural study noted this variant leads to abolished SQR and SDH enzyme activity (Saxena N et al. J Natl Cancer Inst, 2016 Jan;108:). This amino acid position is highly conserved in available vertebrate species. In addition, this alteration is predicted to be deleterious by in silico analysis. This variant is considered to be rare based on population cohorts in the Genome Aggregation Database (gnomAD). Based on the supporting evidence, this variant is interpreted as a disease-causing mutation.

All of Us Research Program, National Institutes of Health
Classification: Pathogenic for Hereditary pheochromocytoma and paraganglioma. Last evaluated: 2023-08-15. Review status: criteria provided, single submitter. Criteria: ACMG Guidelines, 2015. Collection method: clinical testing. Allele origin: germline. Inheritance: Autosomal dominant inheritance. Observed: 1 variant allele, 1 heterozygote.
Comment: This missense variant replaces cysteine with tyrosine at codon 253 of the SDHB protein. Computational prediction suggests that this variant may have deleterious impact on protein structure and function (internally defined REVEL score threshold >= 0.7, PMID: 27666373). Functional studies have shown that this variant abolished both the succinate co-Q oxidoreductase (SQR) activity and succinate dehydrogenase (SDH) activity of mitochondrial complex II, and impaired SDHB association with SDHA and the formation of the full SDH complex (CII; PMID: 26719882). This variant has been reported in numerous individuals affected with paraganglioma and pheochromocytoma in the literature (PMID: 16314641, 17652212, 19454582, 19763184, 22517557,26960314, 34439371). This variant has not been identified in the general population by the Genome Aggregation Database (gnomAD). Based on the available evidence, this variant is classified as Pathogenic.

This study involves interpretation of variants in research participants for the purpose of population health screening. Participant phenotype was not available at the time of variant classification. Additional details can be found in publication PMID: 35346344, PMCID: PMC8962531

Labcorp Genetics (formerly Invitae), Labcorp
Classification: Pathogenic for Gastrointestinal stromal tumor; Pheochromocytoma/paraganglioma syndrome 4; Pheochromocytoma. Last evaluated: 2023-08-04. Review status: criteria provided, single submitter. Criteria: Invitae Variant Classification Sherloc (09022015). Collection method: clinical testing. Allele origin: germline.
Comment: For these reasons, this variant has been classified as Pathogenic. Advanced modeling of protein sequence and biophysical properties (such as structural, functional, and spatial information, amino acid conservation, physicochemical variation, residue mobility, and thermodynamic stability) performed at Invitae indicates that this missense variant is expected to disrupt SDHB protein function. ClinVar contains an entry for this variant (Variation ID: 183795). This missense change has been observed in individuals with paraganglioma-pheochromocytoma syndrome (PMID: 17652212, 19454582, 19763184, 26960314). This variant is not present in population databases (gnomAD no frequency). This sequence change replaces cysteine, which is neutral and slightly polar, with tyrosine, which is neutral and polar, at codon 253 of the SDHB protein (p.Cys253Tyr).

Color Diagnostics, LLC DBA Color Health
Classification: Pathogenic for Hereditary pheochromocytoma and paraganglioma. Last evaluated: 2023-06-16. Review status: criteria provided, single submitter. Criteria: ACMG Guidelines, 2015. Collection method: clinical testing. Allele origin: germline.
Comment: This missense variant replaces cysteine with tyrosine at codon 253 of the SDHB protein. Computational prediction suggests that this variant may have deleterious impact on protein structure and function (internally defined REVEL score threshold >= 0.7, PMID: 27666373). Functional studies have shown that this variant abolished both the succinate co-Q oxidoreductase (SQR) activity and succinate dehydrogenase (SDH) activity of mitochondrial complex II, and impaired SDHB association with SDHA and the formation of the full SDH complex (CII; PMID: 26719882). This variant has been reported in numerous individuals affected with paraganglioma and pheochromocytoma in the literature (PMID: 16314641, 17652212, 19454582, 19763184, 22517557,26960314, 34439371). This variant has not been identified in the general population by the Genome Aggregation Database (gnomAD). Based on the available evidence, this variant is classified as Pathogenic.

Literature cited by the submitters: PubMed 16314641 (cited by 3 submitters); PubMed 17652212 (cited by 4 submitters); PubMed 19454582 (cited by 4 submitters); PubMed 19763184 (cited by 4 submitters); PubMed 22517557 (cited by 3 submitters); PubMed 26719882 (cited by Ambry Genetics and All of Us Research Program, National Institutes of Health); PubMed 26960314 (cited by 4 submitters); PubMed 34439371 (cited by 3 submitters); PubMed 34906457 (cited by Ambry Genetics).